The following is an entry in ClinVar:

ClinVar aggregate classification (germline): Uncertain significance (1 of 4 stars; one submission).

Conditions:
Neurodevelopmental disorder with hypotonia, language delay, and skeletal defects with or without seizures (NEDHLSS). Identifiers: MedGen C5774213, MONDO:0859286, OMIM 620029.

Submission:

3billion
Classification: Uncertain significance for Neurodevelopmental disorder with hypotonia, language delay, and skeletal defects with or without seizures. Last evaluated: 2023-12-07. Review status: criteria provided, single submitter. Criteria: ACMG Guidelines, 2015. Collection method: clinical testing. Allele origin: germline. Affected: yes.
Comment: The variant is not observed in the gnomAD v2.1.1 dataset. Predicted Consequence/Location: Missense changes are a common disease-causing mechanism. In silico tool predictions suggest damaging effect of the variant on gene or gene product [REVEL: 0.80 (>=0.6, sensitivity 0.68 and specificity 0.92)]. Therefore, this variant is classified as VUS according to the recommendation of ACMG/AMP guideline.

NM_000719.7(CACNA1C):c.1808C>A (p.Thr603Asn)

Gene: CACNA1C (calcium voltage-gated channel subunit alpha1 C; plus strand). Cytogenetic location: 12p13.33.
Variant type: single nucleotide variant.
Coding change: c.1808C>A on transcript NM_000719.7 (MANE Select); coding-DNA position 1808, C replaced by A.
Protein change: p.Thr603Asn; replaces threonine 603 with asparagine.
Molecular consequence: missense variant.
Genome position (GRCh38, 1-based): chr12:2,567,707, C>A. VCF-style: chr12-2567707-C-A. GRCh37 (hg19) VCF-style: chr12-2676873-C-A.
Other names: c.1808C>A, p.Thr603Asn (NM_001129827.2, NM_001129829.2, NM_001129830.3 and 18 more transcripts); c.1799C>A, p.Thr600Asn (NM_001129844.2); short protein forms T600N, T603N.
Identifiers: ClinVar variation 3775448 (VCV003775448.1).